The following is an entry in ClinVar:

NM_198252.3(GSN):c.2159A>C (p.Asp720Ala)

Gene: GSN (gelsolin; plus strand). Cytogenetic location: 9q33.2.
Variant type: single nucleotide variant.
Coding change: c.2159A>C on transcript NM_198252.3 (MANE Select); coding-DNA position 2159, A replaced by C.
Protein change: p.Asp720Ala; replaces aspartic acid 720 with alanine.
Molecular consequence: missense variant.
Genome position (GRCh38, 1-based): chr9:121,332,566, A>C. VCF-style: chr9-121332566-A-C. GRCh37 (hg19) VCF-style: chr9-124094844-A-C.
Other names: c.2312A>C, p.Asp771Ala (NM_000177.5); c.2159A>C, p.Asp720Ala (NM_001127662.2, NM_001127664.2, NM_001127665.2 and 10 more transcripts); c.2267A>C, p.Asp756Ala (NM_001127663.2); c.2192A>C, p.Asp731Ala (NM_001127666.2, NM_001127667.2, NM_001353063.2 and 13 more transcripts); c.2210A>C, p.Asp737Ala (NM_001258029.2); c.2183A>C, p.Asp728Ala (NM_001258030.2); c.2231A>C, p.Asp744Ala (NM_001353076.2); c.1505A>C, p.Asp502Ala (NM_001353078.2); short protein forms D502A, D720A, D728A, D731A, D737A, D744A, D756A, D771A.
Identifiers: ClinVar variation 2415088 (VCV002415088.6), dbSNP rs2541460784, ClinGen allele CA374760617.
Genomic context (GRCh38, chr9:121,332,566, plus strand): 5'-TTGAGCCTCCCTCCTTTGTGGGCTGGTTCCTTGGCTGGGATGATGATTACTGGTCTGTGG[A>C]CCCCTTGGACAGGGCCATGGCTGAGCTGGCTGCCTGAGGAGGGGCAGGGCCCACCCATGT-3'
Protein context (NP_937895.1, residues 710-730): LGWDDDYWSV[Asp720Ala]PLDRAMAELA

ClinVar aggregate classification (germline): Uncertain significance (1 of 4 stars; one submission).

Submission:

Labcorp Genetics (formerly Invitae), Labcorp
Classification: Uncertain significance. Last evaluated: 2022-07-02. Review status: criteria provided, single submitter. Criteria: Invitae Variant Classification Sherloc (09022015). Collection method: clinical testing. Allele origin: germline.
Comment: In summary, the available evidence is currently insufficient to determine the role of this variant in disease. Therefore, it has been classified as a Variant of Uncertain Significance. Algorithms developed to predict the effect of missense changes on protein structure and function (SIFT, PolyPhen-2, Align-GVGD) all suggest that this variant is likely to be tolerated. This variant has not been reported in the literature in individuals affected with GSN-related conditions. This variant is not present in population databases (gnomAD no frequency). This sequence change replaces aspartic acid, which is acidic and polar, with alanine, which is neutral and non-polar, at codon 771 of the GSN protein (p.Asp771Ala).